The following is an entry in ClinVar:

NM_000492.4(CFTR):c.171G>A (p.Trp57Ter)

Genes: CFTR (CF transmembrane conductance regulator; plus strand), LOC113664106 (CFTR intron 2 DNase I hypersensitive site; plus strand). Cytogenetic location: 7q31.2.
Variant type: single nucleotide variant.
Coding change: c.171G>A on transcript NM_000492.4 (MANE Select); coding-DNA position 171, G replaced by A.
Protein change: p.Trp57Ter; replaces tryptophan 57 with a stop codon.
Molecular consequence: nonsense.
Genome position (GRCh38, 1-based): chr7:117,509,040, G>A. VCF-style: chr7-117509040-G-A. GRCh37 (hg19) VCF-style: chr7-117149094-G-A.
Other names: short protein forms W57*.
Identifiers: ClinVar variation 7179 (VCV000007179.13), dbSNP rs121909025, ClinGen allele CA325570.

ClinVar aggregate classification (germline): Pathogenic. Review status: reviewed by expert panel (3 of 4 stars). 7 submissions from 7 submitters: Pathogenic (1). 6 of the submissions do not count toward it. Last evaluated 2017-03-17.

Conditions:
CFTR-related disorder (CFTR-RD). Also called: CFTR-related condition; CFTR-related disorders. Identifiers: MedGen C5924204, MONDO:7770004.
Cystic fibrosis (CF). Also called: MUCOVISCIDOSIS. Identifiers: Orphanet 586, MedGen C0010674, MONDO:0009061, OMIM 219700. Disease mechanism: loss of function.

Allele frequency attached by ClinVar (database versions not stated): gnomAD exomes below 0.00001.
gnomAD v4.1: 1 of 1,602,462 alleles (0.000062%); highest among the groups gnomAD compares: African/African-American, 0.0013%; no homozygotes.

Submissions (7):

CFTR2
Classification: Pathogenic for Cystic fibrosis. Last evaluated: 2017-03-17. Review status: reviewed by expert panel. Criteria: Sosnay PR et al. (Nat Genet 2013). Collection method: research. Allele origin: germline. Affected: yes. Study: CFTR2.

Natera, Inc.
Classification: Pathogenic for CFTR-related disorders. Last evaluated: 2025-01-23. Review status: criteria provided, single submitter. Criteria: Natera Variant Classification Schema (03/2026). Collection method: clinical testing. Allele origin: germline. Not counted in ClinVar's aggregate classification.
Comment: The c.171G>A variant in CFTR is a nonsense variant predicted to introduce a stop codon at amino acid 57. This variant is expected to result in nonsense mediated decay, truncation, or a dysfunctional protein product. This variant is rare in the general population with a frequency below the threshold expected for the associated phenotype(s). This variant has been observed in one or more individuals affected with the associated recessive disease, as either homozygous or compound heterozygous with a second variant (PMID: 21909392). Given the available evidence, this variant is classified as Pathogenic.

Women's Health and Genetics/Laboratory Corporation of America, LabCorp
Classification: Pathogenic for Cystic fibrosis. Last evaluated: 2023-07-31. Review status: criteria provided, single submitter. Criteria: LabCorp Variant Classification Summary - May 2015. Collection method: clinical testing. Allele origin: germline. Not counted in ClinVar's aggregate classification.
Comment: Variant summary: CFTR c.171G>A (p.Trp57X) results in a premature termination codon, predicted to cause a truncation of the encoded protein or absence of the protein due to nonsense mediated decay, which are commonly known mechanisms for disease. Variants downstream of this position have been classified as pathogenic by our laboratory. The variant was absent in 250782 control chromosomes (gnomAD). c.171G>A has been reported in the literature in individuals affected with Cystic Fibrosis (example: Roth_2011). The following publication has been ascertained in the context of this evaluation (PMID: 21909392). Six submitters have cited clinical-significance assessments for this variant to ClinVar after 2014. All submitters classified the variant as pathogenic/likely pathogenic. Based on the evidence outlined above, the variant was classified as pathogenic.

Labcorp Genetics (formerly Invitae), Labcorp
Classification: Pathogenic for Cystic fibrosis. Last evaluated: 2021-10-27. Review status: criteria provided, single submitter. Criteria: Invitae Variant Classification Sherloc (09022015). Collection method: clinical testing. Allele origin: germline. Not counted in ClinVar's aggregate classification.
Comment: For these reasons, this variant has been classified as Pathogenic. ClinVar contains an entry for this variant (Variation ID: 7179). This variant is also known as c.303G>A. This premature translational stop signal has been observed in individual(s) with cystic fibrosis (PMID: 11379874, 16049310, 30444886). This variant is not present in population databases (gnomAD no frequency). This sequence change creates a premature translational stop signal (p.Trp57*) in the CFTR gene. It is expected to result in an absent or disrupted protein product. Loss-of-function variants in CFTR are known to be pathogenic (PMID: 1695717, 7691345, 9725922).

CFTR-France
Classification: Pathogenic for cystic fibrosis. Last evaluated: 2018-01-29. Review status: criteria provided, single submitter. Criteria: Claustres M et al. (Hum Mutat 2017). Collection method: curation. Allele origin: germline. Affected: yes. Not counted in ClinVar's aggregate classification.

OMIM
Classification: Pathogenic for CYSTIC FIBROSIS. Last evaluated: 2018-04-09. Review status: no assertion criteria provided. Collection method: literature only. Allele origin: germline. Not counted in ClinVar's aggregate classification.

Counsyl
Classification: Likely pathogenic for Cystic fibrosis. Last evaluated: 2015-09-14. Review status: no assertion criteria provided. Collection method: clinical testing. Allele origin: unknown. Not counted in ClinVar's aggregate classification.

Literature cited by the submitters: PubMed 21909392 (cited by 3 submitters); PubMed 11379874 (cited by Labcorp Genetics (formerly Invitae), Labcorp and Counsyl); PubMed 16049310 (cited by Labcorp Genetics (formerly Invitae), Labcorp); PubMed 30444886 (cited by Labcorp Genetics (formerly Invitae), Labcorp); PubMed 1695717 (cited by Labcorp Genetics (formerly Invitae), Labcorp); PubMed 7691345 (cited by Labcorp Genetics (formerly Invitae), Labcorp); PubMed 9725922 (cited by Labcorp Genetics (formerly Invitae), Labcorp); PubMed 15024729 (cited by OMIM); PubMed 12000363 (cited by Counsyl); PubMed 17331079 (cited by Counsyl).